The following is an entry in ClinVar:

NM_001112741.2(KCNC1):c.1648T>A (p.Ser550Thr)

Gene: KCNC1 (potassium voltage-gated channel subfamily C member 1; plus strand). Cytogenetic location: 11p15.1.
Variant type: single nucleotide variant.
Coding change: c.1648T>A on transcript NM_001112741.2 (MANE Select); coding-DNA position 1648, T replaced by A.
Protein change: p.Ser550Thr; replaces serine 550 with threonine.
Molecular consequence: missense variant.
Genome position (GRCh38, 1-based): chr11:17,779,599, T>A. VCF-style: chr11-17779599-T-A. GRCh37 (hg19) VCF-style: chr11-17801146-T-A.
Other names: short protein forms S550T.
Identifiers: ClinVar variation 1062130 (VCV001062130.9), dbSNP rs2133810488, ClinGen allele CA379814519.
Genomic context (GRCh38, chr11:17,779,599, plus strand): 5'-GAGGGCCTGCCCTTTACGCGCTCGGGCACCCGCGAGAGATACGGACCCTGCTTCCTCTTA[T>A]CAACCGGGGAGTACGCGTGCCCACCTGGTGGAGGAATGAGAAAGGGTATGTAGAGGAAGC-3'
Protein context (NP_001106212.1, residues 540-560): RERYGPCFLL[Ser550Thr]TGEYACPPGG

ClinVar aggregate classification (germline): Uncertain significance (1 of 4 stars; one submission).

Conditions:
Progressive myoclonic epilepsy type 7. Identifiers: Orphanet 435438, MedGen C4015420, MONDO:0014521, OMIM 616187.

Submission:

Labcorp Genetics (formerly Invitae), Labcorp
Classification: Uncertain significance for Progressive myoclonic epilepsy type 7. Last evaluated: 2020-12-22. Review status: criteria provided, single submitter. Criteria: Invitae Variant Classification Sherloc (09022015). Collection method: clinical testing. Allele origin: germline.
Comment: This sequence change replaces serine with threonine at codon 550 of the KCNC1 protein (p.Ser550Thr). The serine residue is weakly conserved and there is a small physicochemical difference between serine and threonine. This variant is not present in population databases (ExAC no frequency). This variant has not been reported in the literature in individuals with KCNC1-related conditions. Advanced modeling of protein sequence and biophysical properties (such as structural, functional, and spatial information, amino acid conservation, physicochemical variation, residue mobility, and thermodynamic stability) performed at Invitae indicates that this missense variant is not expected to disrupt KCNC1 protein function. In summary, the available evidence is currently insufficient to determine the role of this variant in disease. Therefore, it has been classified as a Variant of Uncertain Significance.